The following is an entry in ClinVar:

NM_001873.4(CPE):c.672+3A>G

Gene: CPE (carboxypeptidase E; plus strand). Cytogenetic location: 4q32.3.
Variant type: single nucleotide variant.
Coding change: c.672+3A>G on transcript NM_001873.4 (MANE Select); 3 bases into the intron after coding-DNA position 672, A replaced by G.
Molecular consequence: intron variant.
Genome position (GRCh38, 1-based): chr4:165,467,858, A>G. VCF-style: chr4-165467858-A-G. GRCh37 (hg19) VCF-style: chr4-166389010-A-G.
Identifiers: ClinVar variation 4995101 (VCV004995101.1).

ClinVar aggregate classification (germline): Uncertain significance (1 of 4 stars; one submission).

Conditions:
CPE-related disorder. Also called: CPE-related condition.

Submission:

PreventionGenetics, part of Exact Sciences
Classification: Uncertain significance for CPE-related condition. Last evaluated: 2026-07-27. Review status: criteria provided, single submitter. Criteria: ACMG Guidelines, 2015. Collection method: clinical testing. Allele origin: germline.
Comment: The CPE c.672+3A>G variant is predicted to interfere with splicing. This variant is predicted to alter splicing based on available splicing prediction software (SpliceAI, Jaganathan et al. 2019. PubMed ID: 30661751). However, the use of computer prediction software is not equivalent to functional evidence. To our knowledge, this variant has not been reported in the literature or in a large population database (gnomAD), indicating this variant is rare. At this time, the clinical significance of this variant is uncertain due to the absence of conclusive functional and genetic evidence.